The following is an entry in ClinVar:

ClinVar aggregate classification (germline): Likely benign. Review status: criteria provided, multiple submitters, no conflicts (2 of 4 stars). 3 submissions from 3 submitters: Likely benign (3). Last evaluated 2025-11-06.

Conditions:
Autosomal dominant spastic paraplegia type 9. Identifiers: MedGen C1832669, MONDO:0015091.
de Barsy syndrome. Also called: Cutis laxa-corneal clouding-oligophrenia syndrome. Identifiers: Orphanet 2962, MedGen C0268354, MONDO:0017569.
Cutis laxa, autosomal dominant 3 (ADCL3). Identifiers: Orphanet 90348, MedGen C4225268, MONDO:0014706, OMIM 616603.

Allele frequency attached by ClinVar (database versions not stated): gnomAD 0.00003; TOPMed 0.00003; gnomAD exomes 0.00006 and 0.00011; ExAC 0.00016.
gnomAD v4.1: 100 of 1,613,910 alleles (0.0062%); highest among the groups gnomAD compares: Middle Eastern, 0.082%; 1 homozygote.

Submissions (3):

Labcorp Genetics (formerly Invitae), Labcorp
Classification: Likely benign for Autosomal dominant spastic paraplegia type 9; de Barsy syndrome; Cutis laxa, autosomal dominant 3. Last evaluated: 2025-11-06. Review status: criteria provided, single submitter. Criteria: Invitae Variant Classification Sherloc (09022015). Collection method: clinical testing. Allele origin: germline.

Blueprint Genetics
Classification: Likely benign. Last evaluated: 2024-06-14. Review status: criteria provided, single submitter. Criteria: ACMG Guidelines, 2015. Collection method: clinical testing. Allele origin: germline.

GeneDx
Classification: Likely benign. Last evaluated: 2017-05-05. Review status: criteria provided, single submitter. Criteria: GeneDx Variant Classification (06012015). Collection method: clinical testing. Allele origin: germline. Affected: yes.
Comment: This variant is considered likely benign or benign based on one or more of the following criteria: it is a conservative change, it occurs at a poorly conserved position in the protein, it is predicted to be benign by multiple in silico algorithms, and/or has population frequency not consistent with disease.

NM_002860.4(ALDH18A1):c.1380C>T (p.Ile460=)

Gene: ALDH18A1 (aldehyde dehydrogenase 18 family member A1; minus strand). Cytogenetic location: 10q24.1.
Variant type: single nucleotide variant.
Coding change: c.1380C>T on transcript NM_002860.4 (MANE Select); coding-DNA position 1380, C replaced by T.
Protein change: p.Ile460=; no amino-acid change (isoleucine 460 retained).
Molecular consequence: synonymous variant.
Genome position (GRCh38, 1-based): chr10:95,621,118, G>A on the plus strand (C>T on the coding strand, the complement: ALDH18A1 is on the minus strand). VCF-style: chr10-95621118-G-A. GRCh37 (hg19) VCF-style: chr10-97380875-G-A.
Other names: c.1374C>T, p.Ile458= (NM_001017423.2, NM_001323415.2); c.1047C>T, p.Ile349= (NM_001323412.2, NM_001323416.2); c.1380C>T, p.Ile460= (NM_001323413.2, NM_001323414.2); c.1275C>T, p.Ile425= (NM_001323417.2); c.1041C>T, p.Ile347= (NM_001323418.2); c.744C>T, p.Ile248= (NM_001323419.2).
Identifiers: ClinVar variation 506368 (VCV000506368.10), dbSNP rs770247123, ClinGen allele CA5620331.
Genomic context (GRCh38, chr10:95,621,118, plus strand): 5'-AAAGATCACCAGCAGAACTCCAATTGGGACAGTCACTTGTTCCAGTTCCAAGTTTTTGGC[G>A]ATTCGGGTGCGGCGCAAAACACGTCCCACGCTGTCCTGGGAGGAGGCTGCGATCTGTCGC-3'
Protein context (NP_002851.2, residues 450-470): SVGRVLRRTR[Ile460=]AKNLELEQVT